The following is an entry in ClinVar:

ClinVar aggregate classification (germline): Likely benign. Review status: criteria provided, multiple submitters, no conflicts (2 of 4 stars). 3 submissions from 3 submitters: Likely benign (3). Last evaluated 2023-07-01.

Allele frequency attached by ClinVar (database versions not stated): 1000 Genomes Project 0.00080; TOPMed 0.00118; gnomAD exomes 0.00119; gnomAD 0.00129 and 0.00133; ExAC 0.00136; ESP Exome Variant Server 0.00161.

Submissions (3):

CeGaT Center for Human Genetics Tuebingen
Classification: Likely benign. Last evaluated: 2023-07-01. Review status: criteria provided, single submitter. Criteria: CeGaT Center For Human Genetics Tuebingen Variant Classification Criteria Version 2. Collection method: clinical testing. Allele origin: germline. Affected: yes. Observed: 1 variant allele.
Comment: BAZ1B: BP4

Labcorp Genetics (formerly Invitae), Labcorp
Classification: Likely benign. Last evaluated: 2019-12-31. Review status: criteria provided, single submitter. Criteria: Invitae Variant Classification Sherloc (09022015). Collection method: clinical testing. Allele origin: germline.

Breakthrough Genomics
Classification: Likely benign. Review status: criteria provided, single submitter. Criteria: ACMG Guidelines, 2015. Collection method: not provided. Allele origin: germline. Inheritance: Unknown mechanism. Affected: yes.

NM_032408.4(BAZ1B):c.3581-6C>T

Gene: BAZ1B (bromodomain adjacent to zinc finger domain 1B; minus strand). Cytogenetic location: 7q11.23.
Variant type: single nucleotide variant.
Coding change: c.3581-6C>T on transcript NM_032408.4 (MANE Select); 6 bases into the intron before coding-DNA position 3581, C replaced by T.
Molecular consequence: intron variant.
Genome position (GRCh38, 1-based): chr7:73,449,695, G>A on the plus strand (C>T on the coding strand, the complement: BAZ1B is on the minus strand). VCF-style: chr7-73449695-G-A. GRCh37 (hg19) VCF-style: chr7-72864025-G-A.
Other names: c.3581-6C>T (NM_001370402.1).
Identifiers: ClinVar variation 770739 (VCV000770739.29), dbSNP rs184126078, ClinGen allele CA4287449.